The following is an entry in ClinVar:

ClinVar aggregate classification (germline): Uncertain significance (1 of 4 stars; one submission).

Conditions:
Developmental and epileptic encephalopathy, 1 (DEE1). Also called: X-linked infantile spasms; West's syndrome; Tonic spasms with clustering, arrest of psychomotor development and hypsarrhythmia on EEG; X-Linked Infantile Spasm Syndrome; OHTAHARA SYNDROME, X-LINKED; INFANTILE SPASM SYNDROME, X-LINKED 1. Identifiers: MedGen C3463992, MONDO:0010632, OMIM 308350. Disease mechanism: loss of function.
Autosomal recessive spinocerebellar ataxia 12. Also called: SPINOCEREBELLAR ATAXIA WITH MENTAL RETARDATION AND EPILEPSY. Identifiers: Orphanet 284282, MedGen C3280452, MONDO:0013687, OMIM 614322.

Allele frequency attached by ClinVar (database versions not stated): gnomAD exomes below 0.00001.
gnomAD v4.1: 1 of 1,614,086 alleles (0.000062%); highest among the groups gnomAD compares: Non-Finnish European, 0.000085%; no homozygotes.

Submission:

Labcorp Genetics (formerly Invitae), Labcorp
Classification: Uncertain significance for Developmental and epileptic encephalopathy, 1; Autosomal recessive spinocerebellar ataxia 12. Last evaluated: 2022-03-23. Review status: criteria provided, single submitter. Criteria: Invitae Variant Classification Sherloc (09022015). Collection method: clinical testing. Allele origin: germline.
Comment: In summary, the available evidence is currently insufficient to determine the role of this variant in disease. Therefore, it has been classified as a Variant of Uncertain Significance. This variant has not been reported in the literature in individuals affected with WWOX-related conditions. This variant is not present in population databases (gnomAD no frequency). This sequence change disrupts the translational stop signal of the WWOX mRNA. It is expected to extend the length of the WWOX protein by 47 additional amino acid residues.

NM_016373.4(WWOX):c.1245A>C (p.Ter415Tyr)

Genes: MAF (MAF bZIP transcription factor; minus strand), WWOX (WW domain containing oxidoreductase; plus strand). Cytogenetic location: 16q23.2.
Variant type: single nucleotide variant.
Coding change: c.1245A>C on transcript NM_016373.4 (MANE Select); coding-DNA position 1245, A replaced by C.
Protein change: p.Ter415Tyr.
Molecular consequence: stop lost.
Genome position (GRCh38, 1-based): chr16:79,211,796, A>C. VCF-style: chr16-79211796-A-C. GRCh37 (hg19) VCF-style: chr16-79245693-A-C.
Other names: c.906A>C, p.Ter302Tyr (NM_001291997.2).
Identifiers: ClinVar variation 2091177 (VCV002091177.4), dbSNP rs2544385063, ClinGen allele CA396537375.